The following is an entry in ClinVar:

NM_004972.4(JAK2):c.836C>T (p.Pro279Leu)

Genes: INSL6 (insulin like 6; minus strand), JAK2 (Janus kinase 2; plus strand). Cytogenetic location: 9p24.1.
Variant type: single nucleotide variant.
Coding change: c.836C>T on transcript NM_004972.4 (MANE Select); coding-DNA position 836, C replaced by T.
Protein change: p.Pro279Leu; replaces proline 279 with leucine.
Molecular consequence: missense variant. On other transcripts: 5 prime UTR variant (2), non-coding transcript variant (2).
Genome position (GRCh38, 1-based): chr9:5,054,784, C>T. VCF-style: chr9-5054784-C-T. GRCh37 (hg19) VCF-style: chr9-5054784-C-T.
Other names: c.836C>T, p.Pro279Leu (NM_001322194.2, NM_001322195.2, NM_001322196.2); c.-285C>T (NM_001322198.2, NM_001322199.2); c.389C>T, p.Pro130Leu (NM_001322204.2); short protein forms P130L, P279L.
Identifiers: ClinVar variation 2872688 (VCV002872688.3), dbSNP rs765196728, ClinGen allele CA4971669.

ClinVar aggregate classification (germline): Uncertain significance (1 of 4 stars; one submission).

Allele frequency attached by ClinVar (database versions not stated): gnomAD exomes 0.00001; TOPMed 0.00001; ExAC 0.00002.
gnomAD v4.1: 14 of 1,612,676 alleles (0.00087%); highest among the groups gnomAD compares: Non-Finnish European, 0.00017%; no homozygotes.

Submission:

Labcorp Genetics (formerly Invitae), Labcorp
Classification: Uncertain significance. Last evaluated: 2025-01-26. Review status: criteria provided, single submitter. Criteria: Invitae Variant Classification Sherloc (09022015). Collection method: clinical testing. Allele origin: germline.
Comment: This sequence change replaces proline, which is neutral and non-polar, with leucine, which is neutral and non-polar, at codon 279 of the JAK2 protein (p.Pro279Leu). This variant is present in population databases (rs765196728, gnomAD 0.04%). This variant has not been reported in the literature in individuals affected with JAK2-related conditions. ClinVar contains an entry for this variant (Variation ID: 2872688). Invitae Evidence Modeling of protein sequence and biophysical properties (such as structural, functional, and spatial information, amino acid conservation, physicochemical variation, residue mobility, and thermodynamic stability) indicates that this missense variant is not expected to disrupt JAK2 protein function with a negative predictive value of 95%. In summary, the available evidence is currently insufficient to determine the role of this variant in disease. Therefore, it has been classified as a Variant of Uncertain Significance.